The following is an entry in ClinVar:

NM_004370.6(COL12A1):c.6125C>A (p.Ser2042Ter)

Gene: COL12A1 (collagen type XII alpha 1 chain; minus strand). Cytogenetic location: 6q13.
Variant type: single nucleotide variant.
Coding change: c.6125C>A on transcript NM_004370.6 (MANE Select); coding-DNA position 6125, C replaced by A.
Protein change: p.Ser2042Ter; replaces serine 2042 with a stop codon.
Molecular consequence: nonsense.
Genome position (GRCh38, 1-based): chr6:75,130,176, G>T on the plus strand (C>A on the coding strand, the complement: COL12A1 is on the minus strand). VCF-style: chr6-75130176-G-T. GRCh37 (hg19) VCF-style: chr6-75839892-G-T.
Other names: c.2633C>A, p.Ser878Ter (NM_080645.3); short protein forms S2042*, S878*.
Identifiers: ClinVar variation 940321 (VCV000940321.8), dbSNP rs767845062, ClinGen allele CA364731121.

ClinVar aggregate classification (germline): Pathogenic (1 of 4 stars; one submission).

Conditions:
Ullrich congenital muscular dystrophy 2 (UCMD2). Identifiers: Orphanet 75840, MedGen C4225314, MONDO:0014654, OMIM 616470.
Bethlem myopathy 2 (BTHLM2). Identifiers: Orphanet 536516, Orphanet 610, MedGen C4225313, MONDO:0034022, OMIM 616471.

Submission:

Labcorp Genetics (formerly Invitae), Labcorp
Classification: Pathogenic for Bethlem myopathy 2; Ullrich congenital muscular dystrophy 2. Last evaluated: 2022-02-04. Review status: criteria provided, single submitter. Criteria: Invitae Variant Classification Sherloc (09022015). Collection method: clinical testing. Allele origin: germline.
Comment: For these reasons, this variant has been classified as Pathogenic. ClinVar contains an entry for this variant (Variation ID: 940321). This variant has not been reported in the literature in individuals affected with COL12A1-related conditions. This variant is not present in population databases (gnomAD no frequency). This sequence change creates a premature translational stop signal (p.Ser2042*) in the COL12A1 gene. It is expected to result in an absent or disrupted protein product. Loss-of-function variants in COL12A1 are known to be pathogenic (PMID: 24334604, 28973083).

Literature cited by the submitters: PubMed 24334604; PubMed 28973083.